The following is an entry in ClinVar:

NM_000256.3(MYBPC3):c.909-6G>A

Gene: MYBPC3 (myosin binding protein C3; minus strand). Cytogenetic location: 11p11.2.
Variant type: single nucleotide variant.
Coding change: c.909-6G>A on transcript NM_000256.3 (MANE Select); 6 bases into the intron before coding-DNA position 909, G replaced by A.
Molecular consequence: intron variant.
Genome position (GRCh38, 1-based): chr11:47,346,650, C>T on the plus strand (G>A on the coding strand, the complement: MYBPC3 is on the minus strand). VCF-style: chr11-47346650-C-T. GRCh37 (hg19) VCF-style: chr11-47368201-C-T.
Identifiers: ClinVar variation 926283 (VCV000926283.4), dbSNP rs962907671, ClinGen allele CA913203431.

ClinVar aggregate classification (germline): Uncertain significance. Review status: criteria provided, multiple submitters, no conflicts (2 of 4 stars). 2 submissions from 2 submitters: Uncertain significance (2). Last evaluated 2022-03-16.

Conditions:
Cardiomyopathy (CMYO). Also called: Cardiomyopathies. Identifiers: Orphanet 167848, MedGen C0878544, MONDO:0004994, HP:0001638. Inheritance: Various modes of inheritance.

Allele frequency attached by ClinVar (database versions not stated): gnomAD exomes below 0.00001; TOPMed below 0.00001.

Submissions (2):

Blueprint Genetics
Classification: Uncertain significance. Last evaluated: 2022-03-16. Review status: criteria provided, single submitter. Criteria: ACMG Guidelines, 2015. Collection method: clinical testing. Allele origin: germline.

Color Diagnostics, LLC DBA Color Health
Classification: Uncertain significance for Cardiomyopathy. Last evaluated: 2019-06-13. Review status: criteria provided, single submitter. Criteria: ACMG Guidelines, 2015. Collection method: clinical testing. Allele origin: germline.
Comment: This variant is located in the intron 10 splice acceptor region of the MYBPC3 gene. Computational splicing tools and conservation analyses are inconclusive regarding the impact of this variant on RNA splicing. To our knowledge, functional assays have not been performed for this variant nor has this variant been reported in individuals affected with cardiovascular disorders in the literature. This variant has not been identified in the general population by the Genome Aggregation Database (gnomAD). Available evidence is insufficient to determine the role of this variant in disease conclusively. Therefore, this variant is classified as a Variant of Uncertain Significance.